The following is an entry in ClinVar:

NM_022773.4(LMF1):c.264A>T (p.Arg88Ser)

Gene: LMF1 (lipase maturation factor 1; minus strand). Cytogenetic location: 16p13.3.
Variant type: single nucleotide variant.
Coding change: c.264A>T on transcript NM_022773.4 (MANE Select); coding-DNA position 264, A replaced by T.
Protein change: p.Arg88Ser; replaces arginine 88 with serine.
Molecular consequence: missense variant. On other transcripts: 5 prime UTR variant (4), non-coding transcript variant (1).
Genome position (GRCh38, 1-based): chr16:954,596, T>A on the plus strand (A>T on the coding strand, the complement: LMF1 is on the minus strand). VCF-style: chr16-954596-T-A. GRCh37 (hg19) VCF-style: chr16-1004596-T-A.
Other names: c.-540A>T (NM_001352017.2); c.-291A>T (NM_001352018.2); c.-64A>T (NM_001352019.2); c.264A>T, p.Arg88Ser (NM_001352020.1); c.-442A>T (NM_001352021.2); short protein forms R88S.
Identifiers: ClinVar variation 4826988 (VCV004826988.1).

ClinVar aggregate classification (germline): Uncertain significance (1 of 4 stars; one submission).

Conditions:
Cardiovascular phenotype. Identifiers: MedGen CN230736.

Submission:

Ambry Genetics
Classification: Uncertain significance for Cardiovascular phenotype. Last evaluated: 2026-03-09. Review status: criteria provided, single submitter. Criteria: Ambry Variant Classification Scheme 2023. Collection method: clinical testing. Allele origin: germline.
Comment: The p.R88S variant (also known as c.264A>T), located in coding exon 2 of the LMF1 gene, results from an A to T substitution at nucleotide position 264. The arginine at codon 88 is replaced by serine, an amino acid with dissimilar properties. This amino acid position is conserved. In addition, this alteration is predicted to be tolerated by in silico analysis. Based on the available evidence, the clinical significance of this variant remains unclear.